The following is an entry in ClinVar:

ClinVar aggregate classification (germline): Benign/Likely benign. Review status: criteria provided, multiple submitters, no conflicts (2 of 4 stars). 11 submissions from 10 submitters: Benign (6); Likely benign (2). 3 of the submissions do not count toward it. Last evaluated 2026-02-04.

Conditions:
Meckel syndrome, type 2 (MKS2). Also called: MECKEL-GRUBER SYNDROME, TYPE 2; MKS2-Related Meckel Syndrome. Identifiers: Orphanet 564, MedGen C1864148, MONDO:0011296, OMIM 603194.
Joubert syndrome. Also called: CEREBELLOPARENCHYMAL DISORDER IV; JOUBERT-BOLTSHAUSER SYNDROME; Familial aplasia of the vermis. Identifiers: Orphanet 475, MedGen C5979921, MONDO:0018772.
Joubert syndrome 2 (JBTS2). Also called: CEREBELLOOCULORENAL SYNDROME 2. Identifiers: Orphanet 2318, MedGen C1842577, MONDO:0011963, OMIM 608091.

Allele frequency attached by ClinVar (database versions not stated): gnomAD 0.00450 and 0.00510; 1000 Genomes Project 30x 0.00468; TOPMed 0.00474; gnomAD exomes 0.00575 and 0.00785; 1000 Genomes Project 0.00579; ExAC 0.01662.

Submissions (11):

Labcorp Genetics (formerly Invitae), Labcorp
Classification: Benign for Joubert syndrome. Last evaluated: 2026-02-04. Review status: criteria provided, single submitter. Criteria: Invitae Variant Classification Sherloc (09022015). Collection method: clinical testing. Allele origin: germline.

Mayo Clinic Laboratories, Mayo Clinic
Classification: Benign. Last evaluated: 2024-07-18. Review status: criteria provided, single submitter. Criteria: ACMG Guidelines, 2015. Collection method: clinical testing. Allele origin: germline. Observed: 8 variant alleles.
Comment: BA1, BP4, BP7

Genome-Nilou Lab
Classification: Benign for Joubert syndrome 2. Last evaluated: 2021-07-10. Review status: criteria provided, single submitter. Criteria: ACMG Guidelines, 2015. Collection method: clinical testing. Allele origin: germline. Affected: no.

Genome-Nilou Lab
Classification: Benign for Meckel syndrome, type 2. Last evaluated: 2021-07-10. Review status: criteria provided, single submitter. Criteria: ACMG Guidelines, 2015. Collection method: clinical testing. Allele origin: germline. Affected: no.

Center for Pediatric Genomic Medicine, Children's Mercy Hospital and Clinics
Classification: Likely benign. Last evaluated: 2017-05-08. Review status: criteria provided, single submitter. Criteria: ACMG Guidelines, 2015. Collection method: clinical testing. Allele origin: germline.

PreventionGenetics, part of Exact Sciences
Classification: Benign. Last evaluated: 2016-03-28. Review status: criteria provided, single submitter. Criteria: ACMG Guidelines, 2015. Collection method: clinical testing. Allele origin: germline.

GeneDx
Classification: Benign. Last evaluated: 2015-03-03. Review status: criteria provided, single submitter. Criteria: GeneDx Variant Classification Process June 2021. Collection method: clinical testing. Allele origin: germline. Affected: yes.

Breakthrough Genomics
Classification: Likely benign. Review status: criteria provided, single submitter. Criteria: ACMG Guidelines, 2015. Collection method: not provided. Allele origin: germline. Inheritance: Autosomal recessive inheritance. Affected: yes.

Natera, Inc.
Classification: Benign for Joubert syndrome type 2. Last evaluated: 2019-12-19. Review status: no assertion criteria provided. Collection method: clinical testing. Allele origin: germline. Not counted in ClinVar's aggregate classification.

Clinical Genetics DNA and cytogenetics Diagnostics Lab, Erasmus MC, Erasmus Medical Center
Classification: Benign. Review status: no assertion criteria provided. Collection method: clinical testing. Allele origin: germline. Affected: yes. Study: VKGL Data-share Consensus. Not counted in ClinVar's aggregate classification.

Clinical Genetics, Academic Medical Center
Classification: Benign. Review status: no assertion criteria provided. Collection method: clinical testing. Allele origin: germline. Affected: yes. Study: VKGL Data-share Consensus. Not counted in ClinVar's aggregate classification.

NM_001173990.3(TMEM216):c.35-17C>T

Gene: TMEM216 (transmembrane protein 216; plus strand). Cytogenetic location: 11q12.2.
Variant type: single nucleotide variant.
Coding change: c.35-17C>T on transcript NM_001173990.3 (MANE Select); 17 bases into the intron before coding-DNA position 35, C replaced by T.
Molecular consequence: intron variant.
Genome position (GRCh38, 1-based): chr11:61,393,214, C>T. VCF-style: chr11-61393214-C-T. GRCh37 (hg19) VCF-style: chr11-61160686-C-T.
Other names: p.?; c.-149-17C>T (NM_016499.6, NM_001330285.2); c.35-17C>T (NM_001173991.3).
Identifiers: ClinVar variation 257597 (VCV000257597.25), dbSNP rs147953784, ClinGen allele CA6034695.
Genomic context (GRCh38, chr11:61,393,214, plus strand): 5'-AAGTTAGACACCAACCCATACGAGCAGAGAGGGAGCTGCCTTCCGGCCCATCCCACTTCT[C>T]TGTGCTCCTTTTTCAGGTAAACGGTTGTCCTCCACCCCGCTGGAAATCCTGTTCTTTCTG-3'